The following is an entry in ClinVar:

ClinVar aggregate classification (germline): Uncertain significance (0 of 4 stars; one submission).

Conditions:
ASH1L-related disorder. Also called: ASH1L-related condition.

Submission:

PreventionGenetics, part of Exact Sciences
Classification: Uncertain significance for ASH1L-related condition. Last evaluated: 2024-07-05. Review status: no assertion criteria provided. Collection method: clinical testing. Allele origin: germline.
Comment: The ASH1L c.5640C>G variant is predicted to result in the amino acid substitution p.Asp1880Glu. To our knowledge, this variant has not been reported in the literature or in a large population database, indicating this variant is rare. At this time, the clinical significance of this variant is uncertain due to the absence of conclusive functional and genetic evidence.

NM_018489.3(ASH1L):c.5640C>G (p.Asp1880Glu)

Gene: ASH1L (ASH1 like histone lysine methyltransferase; minus strand). Cytogenetic location: 1q22.
Variant type: single nucleotide variant.
Coding change: c.5640C>G on transcript NM_018489.3 (MANE Select); coding-DNA position 5640, C replaced by G.
Protein change: p.Asp1880Glu; replaces aspartic acid 1880 with glutamic acid.
Molecular consequence: missense variant.
Genome position (GRCh38, 1-based): chr1:155,438,515, G>C on the plus strand (C>G on the coding strand, the complement: ASH1L is on the minus strand). VCF-style: chr1-155438515-G-C. GRCh37 (hg19) VCF-style: chr1-155408306-G-C.
Other names: c.5640C>G, p.Asp1880Glu (NM_001366177.2); short protein forms D1880E.
Identifiers: ClinVar variation 3356298 (VCV003356298.1).